The following is an entry in ClinVar:

NM_022765.4(MICAL1):c.2881A>C (p.Ser961Arg)

Gene: MICAL1 (microtubule associated monooxygenase, calponin and LIM domain containing 1; minus strand). Cytogenetic location: 6q21.
Variant type: single nucleotide variant.
Coding change: c.2881A>C on transcript NM_022765.4 (MANE Select); coding-DNA position 2881, A replaced by C.
Protein change: p.Ser961Arg; replaces serine 961 with arginine.
Molecular consequence: missense variant.
Genome position (GRCh38, 1-based): chr6:109,445,197, T>G on the plus strand (A>C on the coding strand, the complement: MICAL1 is on the minus strand). VCF-style: chr6-109445197-T-G. GRCh37 (hg19) VCF-style: chr6-109766400-T-G.
Other names: c.2623A>C, p.Ser875Arg (NM_001159291.2); c.2938A>C, p.Ser980Arg (NM_001286613.2); short protein forms S961R, S980R, S875R.
Identifiers: ClinVar variation 2177682 (VCV002177682.4), dbSNP rs749494104, ClinGen allele CA3952725.

ClinVar aggregate classification (germline): Uncertain significance (1 of 4 stars; one submission).

Allele frequency attached by ClinVar (database versions not stated): gnomAD exomes 0.00002; TOPMed 0.00002; ExAC 0.00008.
gnomAD v4.1: 22 of 1,613,082 alleles (0.0014%); highest among the groups gnomAD compares: Admixed American, 0.037%; no homozygotes.

Submission:

Labcorp Genetics (formerly Invitae), Labcorp
Classification: Uncertain significance. Last evaluated: 2026-01-11. Review status: criteria provided, single submitter. Criteria: Invitae Variant Classification Sherloc (09022015). Collection method: clinical testing. Allele origin: germline.
Comment: This sequence change replaces serine, which is neutral and polar, with arginine, which is basic and polar, at codon 980 of the MICAL1 protein (p.Ser980Arg). This variant is present in population databases (rs749494104, gnomAD 0.06%), and has an allele count higher than expected for a pathogenic variant. This variant has not been reported in the literature in individuals affected with MICAL1-related conditions. ClinVar contains an entry for this variant (Variation ID: 2177682). An algorithm developed to predict the effect of missense changes on protein structure and function outputs the following: PolyPhen-2: "Benign". The arginine amino acid residue is found in multiple mammalian species, which suggests that this missense change does not adversely affect protein function. In summary, the available evidence is currently insufficient to determine the role of this variant in disease. Therefore, it has been classified as a Variant of Uncertain Significance.